The following is an entry in ClinVar:

ClinVar aggregate classification (germline): Benign/Likely benign. Review status: criteria provided, multiple submitters, no conflicts (2 of 4 stars). 4 submissions from 4 submitters: Benign (1); Likely benign (3). Last evaluated 2024-12-31.

Conditions:
Hereditary cancer-predisposing syndrome. Also called: Hereditary neoplastic syndrome; Hereditary Cancer Syndrome; Neoplastic Syndromes, Hereditary; Tumor predisposition. Identifiers: Orphanet 140162, MedGen C0027672, MeSH D009386, MONDO:0015356.
Lynch syndrome 5 (LYNCH5). Also called: Hereditary non-polyposis colorectal cancer, type 5; Colorectal cancer, hereditary nonpolyposis, type 5. Identifiers: Orphanet 144, MedGen C1833477, MONDO:0013710, OMIM 614350. Disease mechanism: loss of function.
Mismatch repair cancer syndrome 3. Identifiers: MedGen C5436807, MONDO:0030841, OMIM 619097.
Hereditary nonpolyposis colorectal neoplasms. Identifiers: MedGen C0009405, MeSH D003123.

Allele frequency attached by ClinVar (database versions not stated): gnomAD exomes below 0.00001.
gnomAD v4.1: 1 of 1,613,936 alleles (0.000062%); highest among the groups gnomAD compares: African/African-American, 0.0013%; no homozygotes.

Submissions (4):

Myriad Genetics, Inc.
Classification: Benign for Lynch syndrome 5. Last evaluated: 2024-12-31. Review status: criteria provided, single submitter. Criteria: Myriad Autosomal Dominant, Autosomal Recessive and X-Linked Classification Criteria (2023). Collection method: clinical testing. Allele origin: unknown.
Comment: This variant is considered benign. This variant is a silent/synonymous amino acid change and it is not expected to impact splicing.

Labcorp Genetics (formerly Invitae), Labcorp
Classification: Likely benign for Hereditary nonpolyposis colorectal neoplasms. Last evaluated: 2024-03-01. Review status: criteria provided, single submitter. Criteria: Invitae Variant Classification Sherloc (09022015). Collection method: clinical testing. Allele origin: germline.

Ambry Genetics
Classification: Likely benign for Hereditary cancer-predisposing syndrome. Last evaluated: 2022-11-10. Review status: criteria provided, single submitter. Criteria: Ambry Variant Classification Scheme 2023. Collection method: clinical testing. Allele origin: germline.

Department of Pathology and Laboratory Medicine, Sinai Health System
Classification: Likely benign for Mismatch repair cancer syndrome 3. Last evaluated: 2022-07-20. Review status: criteria provided, single submitter. Criteria: ACMG Guidelines, 2015. Collection method: clinical testing. Allele origin: germline. Affected: yes.

NM_000179.3(MSH6):c.2340C>T (p.Ala780=)

Gene: MSH6 (mutS homolog 6; plus strand). Cytogenetic location: 2p16.3.
Variant type: single nucleotide variant.
Coding change: c.2340C>T on transcript NM_000179.3 (MANE Select); coding-DNA position 2340, C replaced by T.
Protein change: p.Ala780=; no amino-acid change (alanine 780 retained).
Molecular consequence: synonymous variant.
Genome position (GRCh38, 1-based): chr2:47,800,323, C>T. VCF-style: chr2-47800323-C-T. GRCh37 (hg19) VCF-style: chr2-48027462-C-T.
Other names: c.2340C>T (NM_000179.2); c.1950C>T, p.Ala650= (NM_001281492.2); c.1434C>T, p.Ala478= (NM_001281493.2, NM_001281494.2).
Identifiers: ClinVar variation 1114960 (VCV001114960.13), dbSNP rs2104401672, ClinGen allele CA426121585.